The following is an entry in ClinVar:

ClinVar aggregate classification (germline): Pathogenic/Likely pathogenic. Review status: criteria provided, multiple submitters, no conflicts (2 of 4 stars). 4 submissions from 4 submitters: Pathogenic (2); Likely pathogenic (1). 1 of the submissions does not count toward it. Last evaluated 2026-01-23.

Conditions:
Pituitary hormone deficiency, combined, 2. Also called: ATELIOTIC DWARFISM WITH HYPOGONADISM; HANHART DWARFISM; PITUITARY DWARFISM III; PROP1-Related Combined Pituitary Hormone Deficiency. Identifiers: MedGen C0878683, MONDO:0009878, OMIM 262600.

Submissions (4):

Natera, Inc.
Classification: Pathogenic for Combined pituitary hormone deficiency type 2. Last evaluated: 2026-01-23. Review status: criteria provided, single submitter. Criteria: Natera Variant Classification Schema (03/2026). Collection method: clinical testing. Allele origin: germline.
Comment: The c.2T>C variant in PROP1 is predicted to result in start loss due to disruption of the initiator methionine. This variant is expected to result in nonsense mediated decay, truncation, or a dysfunctional protein product. This variant is rare in the general population with a frequency below the threshold expected for the associated phenotype(s). This variant has been observed in one or more individuals affected with the associated recessive disease, as either homozygous or compound heterozygous with a second variant (PMID: 16984240). Given the available evidence, this variant is classified as Pathogenic.

Myriad Genetics, Inc.
Classification: Likely pathogenic for Pituitary hormone deficiency, combined, 2. Last evaluated: 2025-05-15. Review status: criteria provided, single submitter. Criteria: Myriad Autosomal Dominant, Autosomal Recessive and X-Linked Classification Criteria (2023). Collection method: clinical testing. Allele origin: unknown.
Comment: NM_006261.4(PROP1):c.2T>C(M1?) is an initiation codon variant classified as likely pathogenic in the context of combined pituitary hormone deficiency, PROP1-related. M1? has been observed in a case with relevant disease (PMID: 16984240). Relevant functional assessments of this variant are not available in the literature. Internal structural analysis of the variant is supportive of pathogenicity. M1? has not been observed in referenced population frequency databases. In summary, NM_006261.4(PROP1):c.2T>C(M1?) is an initiation codon variant that has internal structural support for pathogenicity and has been observed more frequently in cases with the relevant disease than in healthy populations. Please note: this variant was assessed in the context of healthy population screening.

Labcorp Genetics (formerly Invitae), Labcorp
Classification: Pathogenic. Last evaluated: 2019-01-26. Review status: criteria provided, single submitter. Criteria: Invitae Variant Classification Sherloc (09022015). Collection method: clinical testing. Allele origin: germline.
Comment: For these reasons, this variant has been classified as Pathogenic. A different variant (c.1A>G) affecting the initiator codon has been determined to be pathogenic (PMID: 28734020, 16984240). This suggests that this variant is also likely to be causative of disease. This sequence change affects the initiator methionine of the PROP1 mRNA. The next in-frame methionine is located at codon 214. This variant is not present in population databases (ExAC no frequency). This variant has been observed to segregate with combined pituitary hormone deficiency in a family (PMID: 16984240). ClinVar contains an entry for this variant (Variation ID: 551288).

Counsyl
Classification: Likely pathogenic for Pituitary hormone deficiency, combined, 2. Last evaluated: 2017-03-29. Review status: no assertion criteria provided. Collection method: clinical testing. Allele origin: unknown. Not counted in ClinVar's aggregate classification.

Literature cited by the submitters: PubMed 16984240 (cited by 4 submitters); PubMed 28734020 (cited by Labcorp Genetics (formerly Invitae), Labcorp).

NM_006261.5(PROP1):c.2T>C (p.Met1Thr)

Gene: PROP1 (PROP paired-like homeobox 1; minus strand). Cytogenetic location: 5q35.3.
Variant type: single nucleotide variant.
Coding change: c.2T>C on transcript NM_006261.5 (MANE Select); coding-DNA position 2, T replaced by C.
Protein change: p.Met1Thr; changes the start codon (methionine 1).
Molecular consequence: missense variant, initiator codon variant.
Genome position (GRCh38, 1-based): chr5:177,995,932, A>G on the plus strand (T>C on the coding strand, the complement: PROP1 is on the minus strand). VCF-style: chr5-177995932-A-G. GRCh37 (hg19) VCF-style: chr5-177422933-A-G.
Other names: short protein forms M1T.
Identifiers: ClinVar variation 551288 (VCV000551288.14), dbSNP rs1554182645, ClinGen allele CA362379635.
Genomic context (GRCh38, chr5:177,995,932, plus strand): 5'-AGGTTGCTGCCGACTCGCCCCTTCTTTGGCTTCTCAGCCTGGCGCCTCCTTTCTGCTTCC[A>G]TGGCTCGCCACGGGGACCAAGTGTCCCTGAATCTCTGACTTGAGATTTCTCTGCTTCCGC-3'
Protein context (NP_006252.4, residues 1-11): [Met1Thr]EAERRRQAEK